The following is an entry in ClinVar:

NM_020806.5(GPHN):c.1819G>A (p.Val607Ile)

Gene: GPHN (gephyrin; plus strand). Cytogenetic location: 14q23.3.
Variant type: single nucleotide variant.
Coding change: c.1819G>A on transcript NM_020806.5 (MANE Select); coding-DNA position 1819, G replaced by A.
Protein change: p.Val607Ile; replaces valine 607 with isoleucine.
Molecular consequence: missense variant.
Genome position (GRCh38, 1-based): chr14:67,143,432, G>A. VCF-style: chr14-67143432-G-A. GRCh37 (hg19) VCF-style: chr14-67610149-G-A.
Other names: c.1720G>A, p.Val574Ile (NM_001024218.2); c.1879G>A, p.Val627Ile (NM_001377514.1); c.1849G>A, p.Val617Ile (NM_001377515.1); c.1840G>A, p.Val614Ile (NM_001377516.1); c.1792G>A, p.Val598Ile (NM_001377517.1); c.1777G>A, p.Val593Ile (NM_001377518.1); c.1759G>A, p.Val587Ile (NM_001377519.1); short protein forms V574I, V587I, V593I, V598I, V607I, V614I, V617I, V627I.
Identifiers: ClinVar variation 1005804 (VCV001005804.8), dbSNP rs2080615843, ClinGen allele CA390259640.

ClinVar aggregate classification (germline): Uncertain significance (1 of 4 stars; one submission).

Conditions:
Sulfite oxidase deficiency due to molybdenum cofactor deficiency type C. Also called: Molybdenum cofactor deficiency, complementation group C; Molybdenum cofactor deficiency C. Identifiers: Orphanet 308400, Orphanet 833, MedGen C1854990, MONDO:0014212, OMIM 615501.

Allele frequency attached by ClinVar (database versions not stated): gnomAD exomes below 0.00001; gnomAD 0.00001.
gnomAD v4.1: 2 of 1,595,128 alleles (0.00013%); highest among the groups gnomAD compares: African/African-American, 0.0013%; no homozygotes.

Submission:

Labcorp Genetics (formerly Invitae), Labcorp
Classification: Uncertain significance for Sulfite oxidase deficiency due to molybdenum cofactor deficiency type C. Last evaluated: 2022-09-06. Review status: criteria provided, single submitter. Criteria: Invitae Variant Classification Sherloc (09022015). Collection method: clinical testing. Allele origin: germline.
Comment: This sequence change replaces valine, which is neutral and non-polar, with isoleucine, which is neutral and non-polar, at codon 607 of the GPHN protein (p.Val607Ile). This variant is not present in population databases (gnomAD no frequency). This variant has not been reported in the literature in individuals affected with GPHN-related conditions. ClinVar contains an entry for this variant (Variation ID: 1005804). Algorithms developed to predict the effect of missense changes on protein structure and function are either unavailable or do not agree on the potential impact of this missense change (SIFT: "Deleterious"; PolyPhen-2: "Probably Damaging"; Align-GVGD: "Class C0"). In summary, the available evidence is currently insufficient to determine the role of this variant in disease. Therefore, it has been classified as a Variant of Uncertain Significance.